The following is an entry in ClinVar:

ClinVar aggregate classification (germline): Uncertain significance. Review status: criteria provided, multiple submitters, no conflicts (2 of 4 stars). 4 submissions from 4 submitters: Uncertain significance (4). Last evaluated 2025-10-13.

Conditions:
Cardiovascular phenotype. Identifiers: MedGen CN230736.
Hypertrophic cardiomyopathy 14. Identifiers: MedGen C2750467, MONDO:0013197, OMIM 613251.

Allele frequency attached by ClinVar (database versions not stated): TOPMed 0.00002.

Submissions (4):

Labcorp Genetics (formerly Invitae), Labcorp
Classification: Uncertain significance for Hypertrophic cardiomyopathy 14. Last evaluated: 2025-10-13. Review status: criteria provided, single submitter. Criteria: Invitae Variant Classification Sherloc (09022015). Collection method: clinical testing. Allele origin: germline.
Comment: This sequence change creates a premature translational stop signal (p.Tyr1349*) in the MYH6 gene. It is expected to result in an absent or disrupted protein product. However, the current clinical and genetic evidence is not sufficient to establish whether loss-of-function variants in MYH6 cause disease. This variant is present in population databases (no rsID available, gnomAD 0.006%). This variant has not been reported in the literature in individuals affected with MYH6-related conditions. ClinVar contains an entry for this variant (Variation ID: 518592). In summary, the available evidence is currently insufficient to determine the role of this variant in disease. Therefore, it has been classified as a Variant of Uncertain Significance.

GeneDx
Classification: Uncertain significance. Last evaluated: 2025-10-07. Review status: criteria provided, single submitter. Criteria: GeneDx Variant Classification Process June 2021. Collection method: clinical testing. Allele origin: germline.
Comment: Not observed at significant frequency in large population cohorts (gnomAD); Nonsense variant predicted to result in protein truncation or nonsense mediated decay in a gene or region of a gene for which loss of function is not a well-established mechanism of disease; Has been observed in a large cohort of patients referred to a clinical genetic testing lab for cardiomyopathy; no patient specific clinical details or segregation information was specified in this report (PMID: 36129056); This variant is associated with the following publications: (PMID: 36129056)

Baylor Genetics
Classification: Uncertain significance for Hypertrophic cardiomyopathy 14. Last evaluated: 2022-05-23. Review status: criteria provided, single submitter. Criteria: ACMG Guidelines, 2015. Collection method: clinical testing. Allele origin: unknown.

Ambry Genetics
Classification: Uncertain significance for Cardiovascular phenotype. Last evaluated: 2020-01-02. Review status: criteria provided, single submitter. Criteria: Ambry Variant Classification Scheme 2023. Collection method: clinical testing. Allele origin: germline.
Comment: The p.Y1349* variant (also known as c.4047C>A), located in coding exon 27 of the MYH6 gene, results from a C to A substitution at nucleotide position 4047. This changes the amino acid from a tyrosine to a stop codon within coding exon 27. This alteration is expected to result in loss of function by premature protein truncation or nonsense-mediated mRNA decay. However, loss of function of MYH6 has not been clearly established as a mechanism of disease. Since supporting evidence is limited at this time, the clinical significance of this alteration remains unclear.

NM_002471.4(MYH6):c.4047C>A (p.Tyr1349Ter)

Gene: MYH6 (myosin heavy chain 6; minus strand). Cytogenetic location: 14q11.2.
Variant type: single nucleotide variant.
Coding change: c.4047C>A on transcript NM_002471.4 (MANE Select); coding-DNA position 4047, C replaced by A.
Protein change: p.Tyr1349Ter; replaces tyrosine 1349 with a stop codon.
Molecular consequence: nonsense.
Genome position (GRCh38, 1-based): chr14:23,388,987, G>T on the plus strand (C>A on the coding strand, the complement: MYH6 is on the minus strand). VCF-style: chr14-23388987-G-T. GRCh37 (hg19) VCF-style: chr14-23858196-G-T.
Other names: short protein forms Y1349*.
Identifiers: ClinVar variation 518592 (VCV000518592.14), dbSNP rs570555040, ClinGen allele CA389002094.